The following is an entry in ClinVar:

NM_000122.2(ERCC3):c.862del (p.Glu288fs)

Gene: ERCC3 (ERCC excision repair 3, TFIIH core complex helicase subunit; minus strand). Cytogenetic location: 2q14.3.
Variant type: Deletion.
Coding change: c.862del on transcript NM_000122.2 (MANE Select); coding-DNA position 862, one base deleted (G; older notation c.862delG).
Protein change: p.Glu288fs; shifts the reading frame from glutamic acid 288.
Molecular consequence: frameshift variant.
Genome position (GRCh38, 1-based): chr2:127,288,825, C deleted on the plus strand (G on the coding strand, the reverse complement: ERCC3 is on the minus strand); the first of 2 consecutive C bases (chr2:127,288,825-127,288,826); deleting either gives the same sequence. VCF-style (leftmost placement, unchanged base first): chr2-127288824-TC-T. GRCh37 (hg19) VCF-style: chr2-128046400-TC-T.
Other names: c.670del, p.Glu224fs (NM_001303416.2, NM_001303418.2); short protein forms E224fs, E288fs.
Identifiers: ClinVar variation 1071982 (VCV001071982.2), dbSNP rs2104774793, ClinGen allele CA2499214962.

ClinVar aggregate classification (germline): Pathogenic (1 of 4 stars; one submission).

Submission:

Labcorp Genetics (formerly Invitae), Labcorp
Classification: Pathogenic. Last evaluated: 2017-10-03. Review status: criteria provided, single submitter. Criteria: Invitae Variant Classification Sherloc (09022015). Collection method: clinical testing. Allele origin: germline.
Comment: This sequence change creates a premature translational stop signal (p.Glu288Serfs*23) in the ERCC3 gene. It is expected to result in an absent or disrupted protein product. This variant is not present in population databases (ExAC no frequency). This variant has not been reported in the literature in individuals with ERCC3-related disease. Loss-of-function variants in ERCC3 are known to be pathogenic (PMID: 16947863). For these reasons, this variant has been classified as Pathogenic.

Literature cited by the submitters: PubMed 16947863.